The following is an entry in ClinVar:

ClinVar aggregate classification (germline): Uncertain significance. Review status: criteria provided, multiple submitters, no conflicts (2 of 4 stars). 2 submissions from 2 submitters: Uncertain significance (2). Last evaluated 2023-04-01.

Allele frequency attached by ClinVar (database versions not stated): ExAC 0.00001.

Submissions (2):

CeGaT Center for Human Genetics Tuebingen
Classification: Uncertain significance. Last evaluated: 2023-04-01. Review status: criteria provided, single submitter. Criteria: CeGaT Center For Human Genetics Tuebingen Variant Classification Criteria Version 2. Collection method: clinical testing. Allele origin: germline. Affected: yes. Observed: 1 variant allele.
Comment: EP300: PM2

Revvity Omics, Revvity
Classification: Uncertain significance. Last evaluated: 2022-07-08. Review status: criteria provided, single submitter. Criteria: ACMG Guidelines, 2015. Collection method: clinical testing. Allele origin: germline.

NM_001429.4(EP300):c.598C>G (p.Arg200Gly)

Gene: EP300 (EP300 lysine acetyltransferase; plus strand). Cytogenetic location: 22q13.2.
Variant type: single nucleotide variant.
Coding change: c.598C>G on transcript NM_001429.4 (MANE Select); coding-DNA position 598, C replaced by G.
Protein change: p.Arg200Gly; replaces arginine 200 with glycine.
Molecular consequence: missense variant.
Genome position (GRCh38, 1-based): chr22:41,117,690, C>G. VCF-style: chr22-41117690-C-G. GRCh37 (hg19) VCF-style: chr22-41513694-C-G.
Other names: c.598C>G, p.Arg200Gly (NM_001362843.2); short protein forms R200G.
Identifiers: ClinVar variation 2441238 (VCV002441238.27), dbSNP rs769721953, ClinGen allele CA10252283.